The following is an entry in ClinVar:

NM_001005361.3(DNM2):c.1394G>A (p.Arg465Gln)

Gene: DNM2 (dynamin 2; plus strand). Cytogenetic location: 19p13.2.
Variant type: single nucleotide variant.
Coding change: c.1394G>A on transcript NM_001005361.3 (MANE Select); coding-DNA position 1394, G replaced by A.
Protein change: p.Arg465Gln; replaces arginine 465 with glutamine.
Molecular consequence: missense variant.
Genome position (GRCh38, 1-based): chr19:10,798,544, G>A. VCF-style: chr19-10798544-G-A. GRCh37 (hg19) VCF-style: chr19-10909220-G-A.
Other names: c.1394G>A, p.Arg465Gln (NM_001005360.3, NM_001005362.3, NM_001190716.2 and 1 more transcripts); short protein forms R465Q.
Identifiers: ClinVar variation 1771603 (VCV001771603.2), dbSNP rs1394118711, ClinGen allele CA404049630.

ClinVar aggregate classification (germline): Uncertain significance (1 of 4 stars; one submission).

Conditions:
Inborn genetic diseases. Identifiers: MedGen C0950123, MeSH D030342.

Allele frequency attached by ClinVar (database versions not stated): gnomAD exomes below 0.00001.
gnomAD v4.1: 3 of 1,614,194 alleles (0.00019%); highest among the groups gnomAD compares: South Asian, 0.0011%; no homozygotes.

Submission:

Ambry Genetics
Classification: Uncertain significance for Inborn genetic diseases. Last evaluated: 2020-03-20. Review status: criteria provided, single submitter. Criteria: Ambry Variant Classification Scheme 2023. Collection method: clinical testing. Allele origin: germline.
Comment: The p.R465Q variant (also known as c.1394G>A), located in coding exon 11 of the DNM2 gene, results from a G to A substitution at nucleotide position 1394. The arginine at codon 465 is replaced by glutamine, an amino acid with highly similar properties. This amino acid position is highly conserved in available vertebrate species. In addition, the in silico prediction for this alteration is inconclusive. Since supporting evidence is limited at this time, the clinical significance of this alteration remains unclear.